The following is an entry in ClinVar:

ClinVar aggregate classification (germline): Uncertain significance. Review status: criteria provided, multiple submitters, no conflicts (2 of 4 stars). 2 submissions from 2 submitters: Uncertain significance (2). Last evaluated 2023-07-07.

Conditions:
Long QT syndrome (LQTS). Identifiers: MedGen C0023976, MeSH D008133, MONDO:0002442. Disease mechanism: loss of function. Inheritance: Various modes of inheritance.
Cardiovascular phenotype. Identifiers: MedGen CN230736.

Allele frequency attached by ClinVar (database versions not stated): TOPMed below 0.00001; gnomAD 0.00001.
gnomAD v4.1: 22 of 1,613,714 alleles (0.0014%); highest among the groups gnomAD compares: Non-Finnish European, 0.0019%; no homozygotes.

Submissions (2):

Ambry Genetics
Classification: Uncertain significance for Cardiovascular phenotype. Last evaluated: 2023-07-07. Review status: criteria provided, single submitter. Criteria: Ambry Variant Classification Scheme 2023. Collection method: clinical testing. Allele origin: germline.
Comment: The p.L3069V variant (also known as c.9205T>G), located in coding exon 38 of the ANK2 gene, results from a T to G substitution at nucleotide position 9205. The leucine at codon 3069 is replaced by valine, an amino acid with highly similar properties. This amino acid position is conserved. In addition, this alteration is predicted to be deleterious by in silico analysis. Since supporting evidence is limited at this time, the clinical significance of this alteration remains unclear.

Labcorp Genetics (formerly Invitae), Labcorp
Classification: Uncertain significance for Long QT syndrome. Last evaluated: 2023-02-24. Review status: criteria provided, single submitter. Criteria: Invitae Variant Classification Sherloc (09022015). Collection method: clinical testing. Allele origin: germline.
Comment: In summary, the available evidence is currently insufficient to determine the role of this variant in disease. Therefore, it has been classified as a Variant of Uncertain Significance. An algorithm developed to predict the effect of missense changes on protein structure and function (PolyPhen-2) suggests that this variant is likely to be disruptive. This variant has not been reported in the literature in individuals affected with ANK2-related conditions. This variant is present in population databases (no rsID available, gnomAD 0.0009%). This sequence change replaces leucine, which is neutral and non-polar, with valine, which is neutral and non-polar, at codon 3069 of the ANK2 protein (p.Leu3069Val).

NM_001148.6(ANK2):c.9205T>G (p.Leu3069Val)

Gene: ANK2 (ankyrin 2; plus strand). Cytogenetic location: 4q26.
Variant type: single nucleotide variant.
Coding change: c.9205T>G on transcript NM_001148.6 (MANE Select); coding-DNA position 9205, T replaced by G.
Protein change: p.Leu3069Val; replaces leucine 3069 with valine.
Molecular consequence: missense variant. On other transcripts: intron variant (68).
Genome position (GRCh38, 1-based): chr4:113,357,823, T>G. VCF-style: chr4-113357823-T-G. GRCh37 (hg19) VCF-style: chr4-114278979-T-G.
Other names: c.8971T>G, p.Leu2991Val (NM_001386142.1); c.5605T>G, p.Leu1869Val (NM_001386166.1); c.9346T>G, p.Leu3116Val (NM_001386174.1); c.9322T>G, p.Leu3108Val (NM_001386175.1); c.4412-3000T>G (NM_001386186.2, NM_001386148.2); c.4214-3000T>G (NM_001354269.3); c.4292-3000T>G (NM_001386187.2); c.4253-3000T>G (NM_001386147.1); and 35 more; short protein forms L2991V, L3116V, L3069V, L3108V, L1869V.
Identifiers: ClinVar variation 2624673 (VCV002624673.5), dbSNP rs1232343758, ClinGen allele CA357936828.
Genomic context (GRCh38, chr4:113,357,823, plus strand): 5'-CGGGAAGACGATGAAGCCTTTGAGGCTCGTGTGAAAGAGGAAGAACAAAAGATATTTGGT[T>G]TGATGGTAGACAGACAATCACAGGGTACCACCCCTGACACCACTCCTGCTAGGACCCCAA-3'
Protein context (NP_001139.3, residues 3059-3079): VKEEEQKIFG[Leu3069Val]MVDRQSQGTT